The following is an entry in ClinVar:

ClinVar aggregate classification (germline): Uncertain significance (1 of 4 stars; one submission).

Conditions:
Catecholaminergic polymorphic ventricular tachycardia 1. Also called: RYR2-Related Catecholaminergic Polymorphic Ventricular Tachycardia; VENTRICULAR TACHYCARDIA, CATECHOLAMINERGIC POLYMORPHIC, 1, WITH OR WITHOUT ATRIAL DYSFUNCTION AND/OR DILATED CARDIOMYOPATHY; VENTRICULAR TACHYCARDIA, STRESS-INDUCED POLYMORPHIC 1. Identifiers: Orphanet 3286, MedGen C1631597, MONDO:0011484, OMIM 604772.

Submission:

Labcorp Genetics (formerly Invitae), Labcorp
Classification: Uncertain significance for Catecholaminergic polymorphic ventricular tachycardia 1. Last evaluated: 2024-10-28. Review status: criteria provided, single submitter. Criteria: Invitae Variant Classification Sherloc (09022015). Collection method: clinical testing. Allele origin: germline.
Comment: This sequence change replaces arginine, which is basic and polar, with serine, which is neutral and polar, at codon 4303 of the RYR2 protein (p.Arg4303Ser). This variant is not present in population databases (gnomAD no frequency). This variant has not been reported in the literature in individuals affected with RYR2-related conditions. Invitae Evidence Modeling of protein sequence and biophysical properties (such as structural, functional, and spatial information, amino acid conservation, physicochemical variation, residue mobility, and thermodynamic stability) indicates that this missense variant is not expected to disrupt RYR2 protein function with a negative predictive value of 95%. In summary, the available evidence is currently insufficient to determine the role of this variant in disease. Therefore, it has been classified as a Variant of Uncertain Significance.

NM_001035.3(RYR2):c.12909A>C (p.Arg4303Ser)

Genes: RYR2 (ryanodine receptor 2; plus strand), LOC126806068 (BRD4-independent group 4 enhancer GRCh37_chr1:237947411-237948610; plus strand). Cytogenetic location: 1q43.
Variant type: single nucleotide variant.
Coding change: c.12909A>C on transcript NM_001035.3 (MANE Select); coding-DNA position 12909, A replaced by C.
Protein change: p.Arg4303Ser; replaces arginine 4303 with serine.
Molecular consequence: missense variant.
Genome position (GRCh38, 1-based): chr1:237,784,621, A>C. VCF-style: chr1-237784621-A-C. GRCh37 (hg19) VCF-style: chr1-237947921-A-C.
Other names: short protein forms R4303S.
Identifiers: ClinVar variation 3726251 (VCV003726251.2).